The following is an entry in ClinVar:

NM_183357.3(ADCY5):c.371_372delinsTT (p.Ser124Ile)

Gene: ADCY5 (adenylate cyclase 5; minus strand). Cytogenetic location: 3q21.1.
Variant type: Indel.
Coding change: c.371_372delinsTT on transcript NM_183357.3 (MANE Select); coding-DNA positions 371 to 372, GC replaced by TT.
Protein change: p.Ser124Ile; replaces serine 124 with isoleucine.
Molecular consequence: missense variant.
Genome position (GRCh38, 1-based): chr3:123,448,174-123,448,175, GC replaced by AA on the plus strand (GC replaced by TT on the coding strand, the reverse complement: ADCY5 is on the minus strand). VCF-style: chr3-123448174-GC-AA. GRCh37 (hg19) VCF-style: chr3-123167021-GC-AA.
Other names: c.371_372delinsTT, p.Ser124Ile (NM_001378259.1); short protein forms S124I.
Identifiers: ClinVar variation 2116699 (VCV002116699.4), dbSNP rs2473328087, ClinGen allele CA2580068650.
Genomic context (GRCh38, chr3:123,448,174, plus strand): 5'-GGCAGCCGCCGCCGCCGAGCCGCCGCCGCCGCCCGCAGGGGGCGCCCGGGTGCTGCCCCC[GC>AA]TGGCCGCGCCCCGCCGCTGCCGGCGGCTGCCGCGACCGCAGTCGTCGCCGCCGCGCTCCT-3'
Protein context (NP_899200.1, residues 114-134): GSRRQRRGAA[Ser124Ile]GGSTRAPPAG

ClinVar aggregate classification (germline): Uncertain significance (1 of 4 stars; one submission).

Submission:

Labcorp Genetics (formerly Invitae), Labcorp
Classification: Uncertain significance. Last evaluated: 2025-09-06. Review status: criteria provided, single submitter. Criteria: Invitae Variant Classification Sherloc (09022015). Collection method: clinical testing. Allele origin: germline.
Comment: This sequence change replaces serine, which is neutral and polar, with isoleucine, which is neutral and non-polar, at codon 124 of the ADCY5 protein (p.Ser124Ile). Information on the frequency of this variant in the gnomAD database is not available, as this variant may be reported differently in the database. This missense change has been observed in individual(s) with dystonia (internal data). Invitae Evidence Modeling of protein sequence and biophysical properties (such as structural, functional, and spatial information, amino acid conservation, physicochemical variation, residue mobility, and thermodynamic stability) indicates that this missense variant is not expected to disrupt ADCY5 protein function with a negative predictive value of 95%. In summary, the available evidence is currently insufficient to determine the role of this variant in disease. Therefore, it has been classified as a Variant of Uncertain Significance.